The following is an entry in ClinVar:

NM_007294.4(BRCA1):c.40G>T (p.Val14Phe)

Gene: BRCA1 (BRCA1 DNA repair associated; minus strand). Cytogenetic location: 17q21.31.
Variant type: single nucleotide variant.
Coding change: c.40G>T on transcript NM_007294.4 (MANE Select); coding-DNA position 40, G replaced by T.
Protein change: p.Val14Phe; replaces valine 14 with phenylalanine.
Molecular consequence: missense variant. On other transcripts: 5 prime UTR variant (1), non-coding transcript variant (1).
Genome position (GRCh38, 1-based): chr17:43,124,057, C>A on the plus strand (G>T on the coding strand, the complement: BRCA1 is on the minus strand). VCF-style: chr17-43124057-C-A. GRCh37 (hg19) VCF-style: chr17-41276074-C-A.
Other names: c.-149G>T (NM_001407571.1, NM_001407853.1, NM_001407879.1 and 46 more transcripts); c.40G>T, p.Val14Phe (NM_001407581.1, NM_001407582.1, NM_001407583.1 and 193 more transcripts); c.-218G>T (NM_001407694.1, NM_001407724.1, NM_001407727.1 and 11 more transcripts); c.-222G>T (NM_001407695.1, NM_001408465.1); c.-363G>T (NM_001407696.1); c.-247G>T (NM_001407697.1, NM_001407846.1, NM_001407920.1); c.-48G>T (NM_001407698.1, NM_001407732.1, NM_001407736.1 and 23 more transcripts); c.-221G>T (NM_001407725.1, NM_001407730.1, NM_001407734.1 and 22 more transcripts); and 8 more; short protein forms V14F.
Identifiers: ClinVar variation 848933 (VCV000848933.11), dbSNP rs2055732548, ClinGen allele CA10602078.

ClinVar aggregate classification (germline): Uncertain significance. Review status: criteria provided, multiple submitters, no conflicts (2 of 4 stars). 2 submissions from 2 submitters: Uncertain significance (2). Last evaluated 2024-01-11.

Conditions:
Hereditary cancer-predisposing syndrome. Also called: Tumor predisposition; Hereditary Cancer Syndrome; Hereditary neoplastic syndrome; Neoplastic Syndromes, Hereditary. Identifiers: Orphanet 140162, MedGen C0027672, MeSH D009386, MONDO:0015356.
Hereditary breast ovarian cancer syndrome. Also called: Hereditary breast and/or ovarian cancer syndrome; BRCA1- and BRCA2-Associated Hereditary Breast and Ovarian Cancer; Hereditary breast and ovarian cancer syndrome; Hereditary breast and ovarian cancer; Hereditary breast and ovarian cancer syndrome (HBOC); Breast and ovarian cancer. Identifiers: Orphanet 145, MedGen C0677776, MeSH D061325, MONDO:0003582. Disease mechanism: loss of function.

Submissions (3):

Ambry Genetics
Classification: Uncertain significance for Hereditary cancer-predisposing syndrome. Last evaluated: 2024-01-11. Review status: criteria provided, single submitter. Criteria: Ambry Variant Classification Scheme 2023. Collection method: clinical testing. Allele origin: germline.
Comment: The p.V14F variant (also known as c.40G>T), located in coding exon 1 of the BRCA1 gene, results from a G to T substitution at nucleotide position 40. The valine at codon 14 is replaced by phenylalanine, an amino acid with highly similar properties. One functional study found that this nucleotide substitution is non-functional in a high throughput genome editing haploid cell survival assay (Findlay GM et al. Nature, 2018 Oct;562:217-222); however this alteration was shown as functional in a mammalian 2-hybrid protein binding assay (Clark KA et al. Am J Hum Genet, 2022 Jun;109:1153-1174). This amino acid position is well conserved in available vertebrate species. In addition, this alteration is predicted to be deleterious by in silico analysis. Since supporting evidence is conflicting at this time, the clinical significance of this alteration remains unclear.

Labcorp Genetics (formerly Invitae), Labcorp
Classification: Uncertain significance for Hereditary breast ovarian cancer syndrome. Last evaluated: 2021-08-28. Review status: criteria provided, single submitter. Criteria: Invitae Variant Classification Sherloc (09022015). Collection method: clinical testing. Allele origin: germline.
Comment: This sequence change replaces valine with phenylalanine at codon 14 of the BRCA1 protein (p.Val14Phe). The valine residue is highly conserved and there is a small physicochemical difference between valine and phenylalanine. This variant is not present in population databases (ExAC no frequency). This variant has not been reported in the literature in individuals affected with BRCA1-related conditions. Algorithms developed to predict the effect of missense changes on protein structure and function are either unavailable or do not agree on the potential impact of this missense change (SIFT: "Tolerated"; PolyPhen-2: "Probably Damaging"; Align-GVGD: "Class C0"). Experimental studies have shown that this missense change affects BRCA1 function (PMID: 30209399). In summary, the available evidence is currently insufficient to determine the role of this variant in disease. Therefore, it has been classified as a Variant of Uncertain Significance.

Brotman Baty Institute, University of Washington
No classification provided (evidence only). Condition: Breast-ovarian cancer, familial 1. Review status: no classification provided. Collection method: in vitro. Allele origin: not applicable. Functional consequence: functionally_abnormal. Not counted in ClinVar's aggregate classification.
ClinVar note: "not provided" was previously submitted as the classification for the variant. However, the classification appeared to be based only on an observation of functional data so it was converted to no classification on 2025-07-30.

Literature cited by the submitters: PubMed 30209399 (cited by Ambry Genetics and Labcorp Genetics (formerly Invitae), Labcorp); PubMed 35659930 (cited by Ambry Genetics).